The following is an entry in ClinVar:

NM_004725.4(BUB3):c.719T>C (p.Ile240Thr)

Gene: BUB3 (BUB3 mitotic checkpoint protein; plus strand). Cytogenetic location: 10q26.13.
Variant type: single nucleotide variant.
Coding change: c.719T>C on transcript NM_004725.4 (MANE Select); coding-DNA position 719, T replaced by C.
Protein change: p.Ile240Thr; replaces isoleucine 240 with threonine.
Molecular consequence: missense variant.
Genome position (GRCh38, 1-based): chr10:123,162,378, T>C. VCF-style: chr10-123162378-T-C. GRCh37 (hg19) VCF-style: chr10-124921894-T-C.
Other names: c.719T>C, p.Ile240Thr (NM_001007793.3); short protein forms I240T.
Identifiers: ClinVar variation 1757629 (VCV001757629.2), dbSNP rs142203807, ClinGen allele CA5731641.

ClinVar aggregate classification (germline): Uncertain significance (1 of 4 stars; one submission).

Allele frequency attached by ClinVar (database versions not stated): TOPMed below 0.00001; ExAC 0.00001; gnomAD 0.00001; gnomAD exomes 0.00001; ESP Exome Variant Server 0.00008.
gnomAD v4.1: 10 of 1,614,022 alleles (0.00062%); highest among the groups gnomAD compares: Non-Finnish European, 0.00076%; no homozygotes.

Submission:

Ambry Genetics
Classification: Uncertain significance. Last evaluated: 2023-11-09. Review status: criteria provided, single submitter. Criteria: Ambry Variant Classification Scheme 2023. Collection method: clinical testing. Allele origin: germline.
Comment: The p.I240T variant (also known as c.719T>C), located in coding exon 5 of the BUB3 gene, results from a T to C substitution at nucleotide position 719. The isoleucine at codon 240 is replaced by threonine, an amino acid with similar properties. This amino acid position is conserved. In addition, this alteration is predicted to be deleterious by in silico analysis. Since supporting evidence is limited at this time, the clinical significance of this alteration remains unclear.